The following is an entry in ClinVar:

ClinVar aggregate classification (germline): Uncertain significance. Review status: criteria provided, multiple submitters, no conflicts (2 of 4 stars). 2 submissions from 2 submitters: Uncertain significance (2). Last evaluated 2025-08-20.

Submissions (2):

Ambry Genetics
Classification: Uncertain significance. Last evaluated: 2025-08-20. Review status: criteria provided, single submitter. Criteria: Ambry Variant Classification Scheme 2023. Collection method: clinical testing. Allele origin: germline.

Labcorp Genetics (formerly Invitae), Labcorp
Classification: Uncertain significance. Last evaluated: 2024-06-02. Review status: criteria provided, single submitter. Criteria: Invitae Variant Classification Sherloc (09022015). Collection method: clinical testing. Allele origin: germline.
Comment: This sequence change replaces arginine, which is basic and polar, with histidine, which is basic and polar, at codon 124 of the MYH7B protein (p.Arg124His). This variant is present in population databases (rs539864476, gnomAD 0.03%). This variant has not been reported in the literature in individuals affected with MYH7B-related conditions. Advanced modeling of protein sequence and biophysical properties (such as structural, functional, and spatial information, amino acid conservation, physicochemical variation, residue mobility, and thermodynamic stability) performed at Invitae indicates that this missense variant is expected to disrupt MYH7B protein function with a positive predictive value of 80%. In summary, the available evidence is currently insufficient to determine the role of this variant in disease. Therefore, it has been classified as a Variant of Uncertain Significance.

NM_020884.7(MYH7B):c.245G>A (p.Arg82His)

Gene: MYH7B (myosin heavy chain 7B; plus strand). Cytogenetic location: 20q11.22.
Variant type: single nucleotide variant.
Coding change: c.245G>A on transcript NM_020884.7 (MANE Select); coding-DNA position 245, G replaced by A.
Protein change: p.Arg82His; replaces arginine 82 with histidine.
Molecular consequence: missense variant.
Genome position (GRCh38, 1-based): chr20:34,979,707, G>A. VCF-style: chr20-34979707-G-A. GRCh37 (hg19) VCF-style: chr20-33567510-G-A.
Other names: c.371G>A (NM_020884.3); short protein forms R82H.
Identifiers: ClinVar variation 3630880 (VCV003630880.3).